The following is an entry in ClinVar:

ClinVar aggregate classification (germline): Uncertain significance (1 of 4 stars; one submission).

Allele frequency attached by ClinVar (database versions not stated): gnomAD exomes below 0.00001; TOPMed 0.00001.
gnomAD v4.1: 5 of 1,613,970 alleles (0.00031%); highest among the groups gnomAD compares: Non-Finnish European, 0.00042%; no homozygotes.

Submission:

Labcorp Genetics (formerly Invitae), Labcorp
Classification: Uncertain significance. Last evaluated: 2024-02-17. Review status: criteria provided, single submitter. Criteria: Invitae Variant Classification Sherloc (09022015). Collection method: clinical testing. Allele origin: germline.
Comment: This sequence change replaces histidine, which is basic and polar, with glutamine, which is neutral and polar, at codon 329 of the DHCR24 protein (p.His329Gln). This variant is not present in population databases (gnomAD no frequency). This variant has not been reported in the literature in individuals affected with DHCR24-related conditions. ClinVar contains an entry for this variant (Variation ID: 1482159). Advanced modeling of protein sequence and biophysical properties (such as structural, functional, and spatial information, amino acid conservation, physicochemical variation, residue mobility, and thermodynamic stability) performed at Invitae indicates that this missense variant is expected to disrupt DHCR24 protein function with a positive predictive value of 80%. In summary, the available evidence is currently insufficient to determine the role of this variant in disease. Therefore, it has been classified as a Variant of Uncertain Significance.

NM_014762.4(DHCR24):c.987C>G (p.His329Gln)

Gene: DHCR24 (24-dehydrocholesterol reductase; minus strand). Cytogenetic location: 1p32.3.
Variant type: single nucleotide variant.
Coding change: c.987C>G on transcript NM_014762.4 (MANE Select); coding-DNA position 987, C replaced by G.
Protein change: p.His329Gln; replaces histidine 329 with glutamine.
Molecular consequence: missense variant.
Genome position (GRCh38, 1-based): chr1:54,865,336, G>C on the plus strand (C>G on the coding strand, the complement: DHCR24 is on the minus strand). VCF-style: chr1-54865336-G-C. GRCh37 (hg19) VCF-style: chr1-55331009-G-C.
Other names: short protein forms H329Q.
Identifiers: ClinVar variation 1482159 (VCV001482159.8), dbSNP rs1367930337, ClinGen allele CA340454734.